The following is an entry in ClinVar:

ClinVar aggregate classification (germline): Uncertain significance. Review status: criteria provided, multiple submitters, no conflicts (2 of 4 stars). 3 submissions from 3 submitters: Uncertain significance (3). Last evaluated 2024-12-18.

Conditions:
Syndromic X-linked intellectual disability 94 (MRXSW). Also called: MENTAL RETARDATION, X-LINKED, SYNDROMIC 29; X-linked intellectual disability due to GRIA3 anomalies. Identifiers: Orphanet 364028, MedGen C2678051, MONDO:0010402, OMIM 300699.

Allele frequency attached by ClinVar (database versions not stated): ExAC 0.00001.
gnomAD v4.1: 5 of 1,185,962 alleles (0.00042%); highest among the groups gnomAD compares: South Asian, 0.0019%; no homozygotes.

Submissions (3):

Genomic Medicine Center of Excellence, King Faisal Specialist Hospital and Research Centre
Classification: Uncertain significance for Syndromic X-linked intellectual disability 94. Last evaluated: 2024-12-18. Review status: criteria provided, single submitter. Criteria: ACMG Guidelines, 2015. Collection method: clinical testing. Allele origin: germline.

GeneDx
Classification: Uncertain significance. Last evaluated: 2022-02-24. Review status: criteria provided, single submitter. Criteria: GeneDx Variant Classification Process June 2021. Collection method: clinical testing. Allele origin: germline. Affected: yes.
Comment: In silico analysis supports that this missense variant does not alter protein structure/function; Has not been previously published as pathogenic or benign to our knowledge

Centre of Medical Genetics, University Hospital Muenster
Classification: Uncertain significance. Last evaluated: 2021-12-10. Review status: criteria provided, single submitter. Criteria: ACMG Guidelines, 2015. Collection method: clinical testing. Allele origin: unknown. Affected: yes. Observed: 1 variant allele, 1 homozygote.
Comment: ACMG categories: PM1,PM2

NM_007325.5(GRIA3):c.1760A>G (p.Asn587Ser)

Gene: GRIA3 (glutamate ionotropic receptor AMPA type subunit 3; plus strand). Cytogenetic location: Xq25.
Variant type: single nucleotide variant.
Coding change: c.1760A>G on transcript NM_007325.5 (MANE Select); coding-DNA position 1760, A replaced by G.
Protein change: p.Asn587Ser; replaces asparagine 587 with serine.
Molecular consequence: missense variant.
Genome position (GRCh38, 1-based): chrX:123,417,661, A>G. VCF-style: chrX-123417661-A-G. GRCh37 (hg19) VCF-style: chrX-122551512-A-G.
Other names: c.1760A>G, p.Asn587Ser (NM_000828.5); short protein forms N587S.
Identifiers: ClinVar variation 1703265 (VCV001703265.6), dbSNP rs772140857, ClinGen allele CA10507089.